The following is an entry in ClinVar:

ClinVar aggregate classification (germline): Uncertain significance (1 of 4 stars; one submission).

gnomAD v4.1: 1 of 1,613,882 alleles (0.000062%); no homozygotes.

Submission:

GeneDx
Classification: Uncertain significance. Last evaluated: 2024-05-21. Review status: criteria provided, single submitter. Criteria: GeneDx Variant Classification Process June 2021. Collection method: clinical testing. Allele origin: germline. Affected: yes.
Comment: Not observed at significant frequency in large population cohorts (gnomAD); In silico analysis supports that this missense variant has a deleterious effect on protein structure/function; Has not been previously published as pathogenic or benign to our knowledge

NM_021956.5(GRIK2):c.373C>G (p.Leu125Val)

Gene: GRIK2 (glutamate ionotropic receptor kainate type subunit 2; plus strand). Cytogenetic location: 6q16.3.
Variant type: single nucleotide variant.
Coding change: c.373C>G on transcript NM_021956.5 (MANE Select); coding-DNA position 373, C replaced by G.
Protein change: p.Leu125Val; replaces leucine 125 with valine.
Molecular consequence: missense variant.
Genome position (GRCh38, 1-based): chr6:101,626,469, C>G. VCF-style: chr6-101626469-C-G. GRCh37 (hg19) VCF-style: chr6-102074344-C-G.
Other names: c.373C>G, p.Leu125Val (NM_001166247.1, NM_175768.3); short protein forms L125V.
Identifiers: ClinVar variation 3381637 (VCV003381637.1).